The following is an entry in ClinVar:

NM_000094.4(COL7A1):c.91dup (p.Cys31fs)

Gene: COL7A1 (collagen type VII alpha 1 chain; minus strand). Cytogenetic location: 3p21.31.
Variant type: Duplication.
Coding change: c.91dup on transcript NM_000094.4 (MANE Select); coding-DNA position 91, one base duplicated (T; older notation c.91dupT).
Protein change: p.Cys31fs; shifts the reading frame from cysteine 31.
Molecular consequence: frameshift variant.
Genome position (GRCh38, 1-based): chr3:48,594,543, A duplicated on the plus strand (T on the coding strand, the reverse complement: COL7A1 is on the minus strand). VCF-style (leftmost placement, unchanged base first): chr3-48594542-C-CA. GRCh37 (hg19) VCF-style: chr3-48631975-C-CA.
Other names: short protein forms C31fs.
Identifiers: ClinVar variation 5013501 (VCV005013501.1).

ClinVar aggregate classification (germline): Pathogenic (1 of 4 stars; one submission).

Conditions:
Recessive dystrophic epidermolysis bullosa (RDEB). Also called: DYSTROPHIC EPIDERMOLYSIS BULLOSA, AUTOSOMAL RECESSIVE; EPIDERMOLYSIS BULLOSA DYSTROPHICA, HALLOPEAU-SIEMENS TYPE; Hallopeau-Siemens Disease; severe generalized recessive dystrophic epidermolysis bullosa; EPIDERMOLYSIS BULLOSA DYSTROPHICA, GENERALIZED SEVERE, AUTOSOMAL RECESSIVE; Epidermolysis Bullosa Distrophica Autosomal Recessive (RDEB). Identifiers: Orphanet 79408, Orphanet 79409, MedGen C0079474, MONDO:0009179, OMIM 226600.

Submission:

Myriad Genetics, Inc.
Classification: Pathogenic for Recessive dystrophic epidermolysis bullosa. Last evaluated: 2024-08-28. Review status: criteria provided, single submitter. Criteria: Myriad Autosomal Dominant, Autosomal Recessive and X-Linked Classification Criteria (2023). Collection method: clinical testing. Allele origin: unknown.
Comment: NM_000094.3(COL7A1):c.91dupT(C31Lfs*8) is expected to be pathogenic in the context of dystrophic epidermolysis bullosa. This variant is predicted to lead to an abnormal or absent protein product due to the creation of a premature termination codon in COL7A1, a gene where loss-of-function variants are known to be pathogenic. Please note: this variant was assessed in the context of healthy population screening.